The following is an entry in ClinVar:

ClinVar aggregate classification (germline): Uncertain significance (1 of 4 stars; one submission).

Conditions:
Autosomal recessive nonsyndromic hearing loss 18B. Also called: Deafness, autosomal recessive 18b. Identifiers: Orphanet 90636, MedGen C3554163, MONDO:0013985, OMIM 614945.

Submission:

Juno Genomics, Hangzhou Juno Genomics, Inc
Classification: Uncertain significance for Autosomal recessive nonsyndromic hearing loss 18B. Review status: criteria provided, single submitter. Criteria: ACMG Guidelines, 2015. Collection method: clinical testing. Allele origin: germline.
Comment: Absent from controls (or at extremely low frequency if recessive) in Genome Aggregation Database.;Protein length changes due to in-frame deletions/insertions in a non-repeat region or stop-loss variants.

NM_001292063.2(OTOG):c.2957_2959dup (p.Asp986_Gly987insAsp)

Gene: OTOG (otogelin; plus strand). Cytogenetic location: 11p15.1.
Variant type: Duplication.
Coding change: c.2957_2959dup on transcript NM_001292063.2 (MANE Select); coding-DNA positions 2957 to 2959, 3 bases duplicated (ATG; older notation c.2957_2959dupATG).
Protein change: p.Asp986_Gly987insAsp.
Molecular consequence: inframe insertion.
Genome position (GRCh38, 1-based): chr11:17,591,539-17,591,541, ATG duplicated; duplicating any 3 consecutive bases within chr11:17,591,537-17,591,541 gives the same sequence; the c. name uses the placement nearest the transcript's 3' end. VCF-style (leftmost placement, unchanged base first): chr11-17591536-T-TTGA. GRCh37 (hg19) VCF-style: chr11-17613083-T-TTGA.
Other names: c.2993_2995dup, p.Asp998_Gly999insAsp (NM_001277269.2).
Identifiers: ClinVar variation 5018940 (VCV005018940.2).